The following is an entry in ClinVar:

ClinVar aggregate classification (germline): Uncertain significance (1 of 4 stars; one submission).

gnomAD v4.1: 1 of 1,613,806 alleles (0.000062%); highest among the groups gnomAD compares: Non-Finnish European, 0.000085%; no homozygotes.

Submission:

Labcorp Genetics (formerly Invitae), Labcorp
Classification: Uncertain significance. Last evaluated: 2021-11-03. Review status: criteria provided, single submitter. Criteria: Invitae Variant Classification Sherloc (09022015). Collection method: clinical testing. Allele origin: germline.
Comment: In summary, the available evidence is currently insufficient to determine the role of this variant in disease. Therefore, it has been classified as a Variant of Uncertain Significance. Algorithms developed to predict the effect of missense changes on protein structure and function output the following: SIFT: "Tolerated"; PolyPhen-2: "Benign"; Align-GVGD: "Class C0". The serine amino acid residue is found in multiple mammalian species, which suggests that this missense change does not adversely affect protein function. This variant has not been reported in the literature in individuals affected with AASS-related conditions. This variant is not present in population databases (gnomAD no frequency). This sequence change replaces proline, which is neutral and non-polar, with serine, which is neutral and polar, at codon 772 of the AASS protein (p.Pro772Ser).

NM_005763.4(AASS):c.2314C>T (p.Pro772Ser)

Gene: AASS (aminoadipate-semialdehyde synthase; minus strand). Cytogenetic location: 7q31.32.
Variant type: single nucleotide variant.
Coding change: c.2314C>T on transcript NM_005763.4 (MANE Select); coding-DNA position 2314, C replaced by T.
Protein change: p.Pro772Ser; replaces proline 772 with serine.
Molecular consequence: missense variant.
Genome position (GRCh38, 1-based): chr7:122,079,679, G>A on the plus strand (C>T on the coding strand, the complement: AASS is on the minus strand). VCF-style: chr7-122079679-G-A. GRCh37 (hg19) VCF-style: chr7-121719733-G-A.
Other names: short protein forms P772S.
Identifiers: ClinVar variation 1475430 (VCV001475430.6), dbSNP rs531931836, ClinGen allele CA369030969.